The following is an entry in ClinVar:

ClinVar aggregate classification (germline): Uncertain significance (1 of 4 stars; one submission).

Submission:

Women's Health and Genetics/Laboratory Corporation of America, LabCorp
Classification: Uncertain significance. Last evaluated: 2024-09-06. Review status: criteria provided, single submitter. Criteria: LabCorp Variant Classification Summary - May 2015. Collection method: clinical testing. Allele origin: germline.
Comment: Variant summary: SLC12A3 c.1609C>T (p.Leu537Phe) results in a non-conservative amino acid change located in the Amino acid permease/ SLC12A domain of the encoded protein sequence. Five of five in-silico tools predict a damaging effect of the variant on protein function. The variant was absent in 251490 control chromosomes. The available data on variant occurrences in the general population are insufficient to allow any conclusion about variant significance. c.1609C>T has been reported in the literature in at-least one individual affected with Gitelman syndrome (example: Wang_2021). This report does not provide unequivocal conclusions about association of the variant with Familial Hypokalemia-Hypomagnesemia. To our knowledge, no experimental evidence demonstrating an impact on protein function has been reported. The following publication has been ascertained in the context of this evaluation (PMID: 34657521). No submitters have cited clinical-significance assessments for this variant to ClinVar. Based on the evidence outlined above, the variant was classified as uncertain significance.

Literature cited by the submitters: PubMed 34657521.

NM_001126108.2(SLC12A3):c.1609C>T (p.Leu537Phe)

Gene: SLC12A3 (solute carrier family 12 member 3; plus strand). Cytogenetic location: 16q13.
Variant type: single nucleotide variant.
Coding change: c.1609C>T on transcript NM_001126108.2 (MANE Select); coding-DNA position 1609, C replaced by T.
Protein change: p.Leu537Phe; replaces leucine 537 with phenylalanine.
Molecular consequence: missense variant.
Genome position (GRCh38, 1-based): chr16:56,882,437, C>T. VCF-style: chr16-56882437-C-T. GRCh37 (hg19) VCF-style: chr16-56916349-C-T.
Other names: c.1609C>T, p.Leu537Phe (NM_000339.3); c.1606C>T, p.Leu536Phe (NM_001126107.2, NM_001410896.1); short protein forms L536F, L537F.
Identifiers: ClinVar variation 3375011 (VCV003375011.1).